The following is an entry in ClinVar:

ClinVar aggregate classification (germline): Uncertain significance (1 of 4 stars; one submission).

Conditions:
Kabuki syndrome. Also called: NIIKAWA-KUROKI SYNDROME; Kabuki make-up syndrome. Identifiers: Orphanet 2322, MedGen C0796004, MONDO:0016512.

Allele frequency attached by ClinVar (database versions not stated): gnomAD exomes below 0.00001.
gnomAD v4.1: 1 of 1,557,886 alleles (0.000064%); highest among the groups gnomAD compares: Non-Finnish European, 0.000087%; no homozygotes.

Submission:

Labcorp Genetics (formerly Invitae), Labcorp
Classification: Uncertain significance for Kabuki syndrome. Last evaluated: 2023-04-12. Review status: criteria provided, single submitter. Criteria: Invitae Variant Classification Sherloc (09022015). Collection method: clinical testing. Allele origin: germline.
Comment: This sequence change replaces threonine, which is neutral and polar, with isoleucine, which is neutral and non-polar, at codon 4682 of the KMT2D protein (p.Thr4682Ile). This variant is not present in population databases (gnomAD no frequency). This variant has not been reported in the literature in individuals affected with KMT2D-related conditions. Advanced modeling of protein sequence and biophysical properties (such as structural, functional, and spatial information, amino acid conservation, physicochemical variation, residue mobility, and thermodynamic stability) performed at Invitae indicates that this missense variant is expected to disrupt KMT2D protein function. In summary, the available evidence is currently insufficient to determine the role of this variant in disease. Therefore, it has been classified as a Variant of Uncertain Significance.

NM_003482.4(KMT2D):c.14045C>T (p.Thr4682Ile)

Gene: KMT2D (lysine methyltransferase 2D; minus strand). Cytogenetic location: 12q13.12.
Variant type: single nucleotide variant.
Coding change: c.14045C>T on transcript NM_003482.4 (MANE Select); coding-DNA position 14045, C replaced by T.
Protein change: p.Thr4682Ile; replaces threonine 4682 with isoleucine.
Molecular consequence: missense variant.
Genome position (GRCh38, 1-based): chr12:49,029,431, G>A on the plus strand (C>T on the coding strand, the complement: KMT2D is on the minus strand). VCF-style: chr12-49029431-G-A. GRCh37 (hg19) VCF-style: chr12-49423214-G-A.
Other names: short protein forms T4682I.
Identifiers: ClinVar variation 3022998 (VCV003022998.3), dbSNP rs2120397955, ClinGen allele CA384699521.